The following is an entry in ClinVar:

NM_000334.4(SCN4A):c.4719C>T (p.Ile1573=)

Genes: GH-LCR (growth hormone locus control region; plus strand), SCN4A (sodium voltage-gated channel alpha subunit 4; minus strand). Cytogenetic location: 17q23.3.
Variant type: single nucleotide variant.
Coding change: c.4719C>T on transcript NM_000334.4 (MANE Select); coding-DNA position 4719, C replaced by T.
Protein change: p.Ile1573=; no amino-acid change (isoleucine 1573 retained).
Molecular consequence: synonymous variant.
Genome position (GRCh38, 1-based): chr17:63,941,563, G>A on the plus strand (C>T on the coding strand, the complement: SCN4A is on the minus strand). VCF-style: chr17-63941563-G-A. GRCh37 (hg19) VCF-style: chr17-62018923-G-A.
Identifiers: ClinVar variation 543819 (VCV000543819.36), dbSNP rs562551941, ClinGen allele CA8708907.

ClinVar aggregate classification (germline): Likely benign. Review status: criteria provided, multiple submitters, no conflicts (2 of 4 stars). 3 submissions from 3 submitters: Likely benign (3). Last evaluated 2025-07-01.

Conditions:
Hyperkalemic periodic paralysis. Also called: Familial hyperkalemic periodic paralysis; Gamstorp disease. Identifiers: Orphanet 682, MedGen C0238357, MONDO:0008224, OMIM 170500, HP:0007215.

Allele frequency attached by ClinVar (database versions not stated): TOPMed 0.00004; gnomAD 0.00006; gnomAD exomes 0.00006; ExAC 0.00008; 1000 Genomes Project 30x 0.00031; 1000 Genomes Project 0.00040.
gnomAD v4.1: 64 of 1,614,038 alleles (0.004%); highest among the groups gnomAD compares: East Asian, 0.036%; no homozygotes.

Submissions (3):

Labcorp Genetics (formerly Invitae), Labcorp
Classification: Likely benign for Hyperkalemic periodic paralysis. Last evaluated: 2025-07-01. Review status: criteria provided, single submitter. Criteria: Invitae Variant Classification Sherloc (09022015). Collection method: clinical testing. Allele origin: germline.

Blueprint Genetics
Classification: Likely benign. Last evaluated: 2024-05-27. Review status: criteria provided, single submitter. Criteria: ACMG Guidelines, 2015. Collection method: clinical testing. Allele origin: germline.

CeGaT Center for Human Genetics Tuebingen
Classification: Likely benign. Last evaluated: 2022-06-01. Review status: criteria provided, single submitter. Criteria: CeGaT Center For Human Genetics Tuebingen Variant Classification Criteria Version 2. Collection method: clinical testing. Allele origin: germline. Affected: yes. Observed: 1 variant allele.
Comment: SCN4A: BP4, BP7